The following is an entry in ClinVar:

NM_001166108.2(PALLD):c.2084T>G (p.Leu695Arg)

Gene: PALLD (palladin, cytoskeletal associated protein; plus strand). Cytogenetic location: 4q32.3.
Variant type: single nucleotide variant.
Coding change: c.2084T>G on transcript NM_001166108.2 (MANE Select); coding-DNA position 2084, T replaced by G.
Protein change: p.Leu695Arg; replaces leucine 695 with arginine.
Molecular consequence: missense variant. On other transcripts: 5 prime UTR variant (4).
Genome position (GRCh38, 1-based): chr4:168,891,041, T>G. VCF-style: chr4-168891041-T-G. GRCh37 (hg19) VCF-style: chr4-169812192-T-G.
Other names: p.L695R:CTG>CGG; c.938T>G, p.Leu313Arg (NM_001166109.2); c.623T>G, p.Leu208Arg (NM_001166110.2); c.-38T>G (NM_001367567.1, NM_001367568.1, NM_001367569.1 and 1 more transcripts); c.2084T>G, p.Leu695Arg (NM_016081.4); short protein forms L695R, L208R, L313R.
Identifiers: ClinVar variation 128101 (VCV000128101.18), dbSNP rs139375029, ClinGen allele CA288354.

ClinVar aggregate classification (germline): Conflicting classifications of pathogenicity. Review status: criteria provided, conflicting classifications (1 of 4 stars). 6 submissions from 5 submitters: Uncertain significance (4); Benign (2). Last evaluated 2025-08-07.

Conditions:
Pancreatic adenocarcinoma. Identifiers: MedGen C0281361, MONDO:0006047, HP:0006725.
Inborn genetic diseases. Identifiers: MedGen C0950123, MeSH D030342.
Hereditary cancer-predisposing syndrome. Also called: Hereditary neoplastic syndrome; Neoplastic Syndromes, Hereditary; Hereditary Cancer Syndrome; Tumor predisposition. Identifiers: Orphanet 140162, MedGen C0027672, MeSH D009386, MONDO:0015356.
Pancreatic cancer, susceptibility to, 1. Identifiers: Orphanet 1333, MedGen C1847351, MONDO:0011739, OMIM 606856.

Allele frequency attached by ClinVar (database versions not stated): gnomAD 0.00006; gnomAD exomes 0.00012 and 0.00024; ExAC 0.00014; TOPMed 0.00014; ESP Exome Variant Server 0.00031.
gnomAD v4.1: 197 of 1,614,056 alleles (0.012%); highest among the groups gnomAD compares: Non-Finnish European, 0.0016%; 1 homozygote.

Submissions (6):

Labcorp Genetics (formerly Invitae), Labcorp
Classification: Benign for Pancreatic adenocarcinoma. Last evaluated: 2025-08-07. Review status: criteria provided, single submitter. Criteria: Invitae Variant Classification Sherloc (09022015). Collection method: clinical testing. Allele origin: germline.

Fulgent Genetics
Classification: Uncertain significance for Pancreatic cancer, susceptibility to, 1. Last evaluated: 2024-05-17. Review status: criteria provided, single submitter. Criteria: ACMG Guidelines, 2015. Collection method: clinical testing. Allele origin: germline.

Ambry Genetics
Classification: Uncertain significance for Hereditary cancer-predisposing syndrome. Last evaluated: 2022-10-05. Review status: criteria provided, single submitter. Criteria: Ambry General Variant Classification Scheme_2022. Collection method: clinical testing. Allele origin: germline. Observed: 1 variant allele.
Comment: The p.L695R variant (also known as c.2084T>G), located in coding exon 10 of the PALLD gene, results from a T to G substitution at nucleotide position 2084. The leucine at codon 695 is replaced by arginine, an amino acid with dissimilar properties. This amino acid position is conserved. In addition, the in silico prediction for this alteration is inconclusive. Since supporting evidence is limited at this time, the clinical significance of this alteration remains unclear.

Ambry Genetics
Classification: Uncertain significance for Inborn genetic diseases. Last evaluated: 2021-09-27. Review status: criteria provided, single submitter. Criteria: Ambry General Variant Classification Scheme_2022. Collection method: clinical testing. Allele origin: germline. Observed: 1 variant allele.

Illumina Laboratory Services, Illumina
Classification: Benign for Pancreatic cancer, susceptibility to, 1. Last evaluated: 2018-01-13. Review status: criteria provided, single submitter. Criteria: ICSL Variant Classification Criteria 13 December 2019. Collection method: clinical testing. Allele origin: germline.
Comment: This variant was observed in the ICSL laboratory as part of a predisposition screen in an ostensibly healthy population. It had not been previously curated by ICSL or reported in the Human Gene Mutation Database (HGMD: prior to June 1st, 2018), and was therefore a candidate for classification through an automated scoring system. Utilizing variant allele frequency, disease prevalence and penetrance estimates, and inheritance mode, an automated score was calculated to assess if this variant is too frequent to cause the disease. Based on the score and internal cut-off values, a variant classified as benign is not then subjected to further curation. The score for this variant resulted in a classification of benign for this disease.

GeneDx
Classification: Uncertain significance. Last evaluated: 2013-12-02. Review status: criteria provided, single submitter. Criteria: GeneDx Variant Classification (06012015). Collection method: clinical testing. Allele origin: germline. Affected: yes.
Comment: PALLD has been only recently described in association with pancreatic cancer and the risks are not well understood. This variant is denoted PALLD c.2084T>G at the cDNA level, p.Leu695Arg (L695R) at the protein level, and results in the change of a Leucine to an Arginine (CTG>CGG). This variant has not, to our knowledge, been published in the literature. PALLD Leu695Arg was not observed at significant allele frequency in the NHLBI Exome Sequencing Project. This variant is a non-conservative substitution of a neutral non-polar amino acid for a positive polar one, altering a position that is well conserved throughout evolution and is located in the region of Interaction with ARGBP2, SPIN90, SRC and PFN1 per UNIPROT. In silico analyses are inconsistent with regard to the effect this variant may have on protein structure and function. On a molecular level, the impact of this missense variant on protein structure and function is not known and thus we consider this to be a variant of uncertain significance. Furthermore, based on the currently available information, cancer risks associated with this variant, and the PALLD gene, remain unclear.